The following is an entry in ClinVar:

NM_002474.3(MYH11):c.1876G>T (p.Val626Leu)

Gene: MYH11 (myosin heavy chain 11; minus strand). Cytogenetic location: 16p13.11.
Variant type: single nucleotide variant.
Coding change: c.1876G>T on transcript NM_002474.3 (MANE Select); coding-DNA position 1876, G replaced by T.
Protein change: p.Val626Leu; replaces valine 626 with leucine.
Molecular consequence: missense variant.
Genome position (GRCh38, 1-based): chr16:15,750,320, C>A on the plus strand (G>T on the coding strand, the complement: MYH11 is on the minus strand). VCF-style: chr16-15750320-C-A. GRCh37 (hg19) VCF-style: chr16-15844177-C-A.
Other names: c.1897G>T, p.Val633Leu (NM_001040113.2, NM_001040114.2); c.1876G>T, p.Val626Leu (NM_022844.3); c.1876G>T (NM_002474.2); short protein forms V626L, V633L.
Identifiers: ClinVar variation 3069220 (VCV003069220.2), dbSNP rs2041533083, ClinGen allele CA394869218.
Genomic context (GRCh38, chr16:15,750,320, plus strand): 5'-TGGTCTTGGAGGCGCTGGGCAGCGAGCTCTCCGTCATCTTGGCCATCTGGTCCAGGCCCA[C>A]GATGCGGTCCACTATGGGGCACAGCCAGGGTGGCATCAGCCTCTGGCCCACCCACCCCTA-3'
Protein context (NP_002465.1, residues 616-636): ADLWKDVDRI[Val626Leu]GLDQMAKMTE

ClinVar aggregate classification (germline): Uncertain significance. Review status: criteria provided, multiple submitters, no conflicts (2 of 4 stars). 2 submissions from 2 submitters: Uncertain significance (2). Last evaluated 2024-11-13.

Conditions:
Familial thoracic aortic aneurysm and aortic dissection (TAAD). Also called: Thoracic aortic aneurysms and dissections. Identifiers: Orphanet 91387, MedGen C4707243, MONDO:0019625.

gnomAD v4.1: 1 of 1,604,010 alleles (0.000062%); highest among the groups gnomAD compares: East Asian, 0.0022%; no homozygotes.

Submissions (2):

Ambry Genetics
Classification: Uncertain significance for Familial thoracic aortic aneurysm and aortic dissection. Last evaluated: 2024-11-13. Review status: criteria provided, single submitter. Criteria: Ambry Variant Classification Scheme 2023. Collection method: clinical testing. Allele origin: germline.
Comment: The p.V626L variant (also known as c.1876G>T), located in coding exon 15 of the MYH11 gene, results from a G to T substitution at nucleotide position 1876. The valine at codon 626 is replaced by leucine, an amino acid with highly similar properties. This amino acid position is conserved. In addition, the in silico prediction for this alteration is inconclusive. Based on the available evidence, the clinical significance of this variant remains unclear.

All of Us Research Program, National Institutes of Health
Classification: Uncertain significance for Familial thoracic aortic aneurysm and aortic dissection. Last evaluated: 2022-12-05. Review status: criteria provided, single submitter. Criteria: ACMG Guidelines, 2015. Collection method: clinical testing. Allele origin: germline. Inheritance: Autosomal dominant inheritance. Observed: 1 variant allele, 1 heterozygote.
Comment: This missense variant replaces valine with leucine at codon 633 of the MYH11 protein. Computational prediction is inconclusive regarding the impact of this variant on protein structure and function (internally defined REVEL score threshold 0.5 < inconclusive < 0.7, PMID: 27666373). To our knowledge, functional studies have not been reported for this variant. This variant has not been reported in individuals affected with cardiovascular disorders in the literature. This variant has not been identified in the general population by the Genome Aggregation Database (gnomAD). The available evidence is insufficient to determine the role of this variant in disease conclusively. Therefore, this variant is classified as a Variant of Uncertain Significance.

This study involves interpretation of variants in research participants for the purpose of population health screening. Participant phenotype was not available at the time of variant classification. Additional details can be found in publication PMID: 35346344, PMCID: PMC8962531